The following is an entry in ClinVar:

ClinVar aggregate classification (germline): Uncertain significance (1 of 4 stars; one submission).

Conditions:
Cardiovascular phenotype. Identifiers: MedGen CN230736.

Submission:

Ambry Genetics
Classification: Uncertain significance for Cardiovascular phenotype. Last evaluated: 2026-06-28. Review status: criteria provided, single submitter. Criteria: Ambry Variant Classification Scheme 2023. Collection method: clinical testing. Allele origin: germline.
Comment: The p.T330A variant (also known as c.988A>G), located in coding exon 9 of the PTPN11 gene, results from an A to G substitution at nucleotide position 988. The threonine at codon 330 is replaced by alanine, an amino acid with similar properties. This amino acid position is conserved. In addition, the in silico prediction for this alteration is inconclusive. Based on the available evidence, the clinical significance of this variant remains unclear.

NM_002834.5(PTPN11):c.988A>G (p.Thr330Ala)

Gene: PTPN11 (protein tyrosine phosphatase non-receptor type 11; plus strand). Cytogenetic location: 12q24.13.
Variant type: single nucleotide variant.
Coding change: c.988A>G on transcript NM_002834.5 (MANE Select); coding-DNA position 988, A replaced by G.
Protein change: p.Thr330Ala; replaces threonine 330 with alanine.
Molecular consequence: missense variant.
Genome position (GRCh38, 1-based): chr12:112,477,911, A>G. VCF-style: chr12-112477911-A-G. GRCh37 (hg19) VCF-style: chr12-112915715-A-G.
Other names: c.988A>G, p.Thr330Ala (NM_001330437.2, NM_080601.3); c.985A>G, p.Thr329Ala (NM_001374625.1); short protein forms T329A, T330A.
Identifiers: ClinVar variation 5027614 (VCV005027614.1).